The following is an entry in ClinVar:

NM_004519.4(KCNQ3):c.1140+15G>A

Gene: KCNQ3 (potassium voltage-gated channel subfamily Q member 3; minus strand). Cytogenetic location: 8q24.22.
Variant type: single nucleotide variant.
Coding change: c.1140+15G>A on transcript NM_004519.4 (MANE Select); 15 bases into the intron after coding-DNA position 1140, G replaced by A.
Molecular consequence: intron variant.
Genome position (GRCh38, 1-based): chr8:132,172,583, C>T on the plus strand (G>A on the coding strand, the complement: KCNQ3 is on the minus strand). VCF-style: chr8-132172583-C-T. GRCh37 (hg19) VCF-style: chr8-133184830-C-T.
Other names: c.780+15G>A (NM_001204824.2).
Identifiers: ClinVar variation 668509 (VCV000668509.8), dbSNP rs771333555, ClinGen allele CA4880774.

ClinVar aggregate classification (germline): Likely benign. Review status: criteria provided, multiple submitters, no conflicts (2 of 4 stars). 2 submissions from 2 submitters: Likely benign (2). Last evaluated 2023-09-10.

Conditions:
Benign neonatal seizures. Also called: Convulsions benign familial neonatal dominant form; Autosomal dominant form of benign neonatal seizures; Benign familial neonatal seizures; Benign neonatal familial convulsions; Benign familial neonatal epilepsy. Identifiers: Orphanet 1949, MedGen C0220669, MONDO:0016027.

Allele frequency attached by ClinVar (database versions not stated): TOPMed 0.00003.
gnomAD v4.1: 7 of 1,609,828 alleles (0.00043%); highest among the groups gnomAD compares: African/African-American, 0.0094%; no homozygotes.

Submissions (2):

Labcorp Genetics (formerly Invitae), Labcorp
Classification: Likely benign for Benign neonatal seizures. Last evaluated: 2023-09-10. Review status: criteria provided, single submitter. Criteria: Invitae Variant Classification Sherloc (09022015). Collection method: clinical testing. Allele origin: germline.

GeneDx
Classification: Likely benign. Last evaluated: 2018-05-22. Review status: criteria provided, single submitter. Criteria: GeneDx Variant Classification (06012015). Collection method: clinical testing. Allele origin: germline. Affected: yes.
Comment: This variant is considered likely benign or benign based on one or more of the following criteria: it is a conservative change, it occurs at a poorly conserved position in the protein, it is predicted to be benign by multiple in silico algorithms, and/or has population frequency not consistent with disease.